The following is an entry in ClinVar:

ClinVar aggregate classification (germline): Pathogenic. Review status: criteria provided, multiple submitters, no conflicts (2 of 4 stars). 2 submissions from 2 submitters: Pathogenic (2). Last evaluated 2025-06-26.

Conditions:
Intellectual developmental disorder, autosomal recessive 7. Also called: Intellectual disability, autosomal recessive 7. Identifiers: Orphanet 88616, MedGen C1970197, MONDO:0012615, OMIM 611093.

Submissions (2):

Labcorp Genetics (formerly Invitae), Labcorp
Classification: Pathogenic for Intellectual developmental disorder, autosomal recessive 7. Last evaluated: 2025-06-26. Review status: criteria provided, single submitter. Criteria: Invitae Variant Classification Sherloc (09022015). Collection method: clinical testing. Allele origin: germline.
Comment: This sequence change creates a premature translational stop signal (p.Gln141Serfs*21) in the TUSC3 gene. It is expected to result in an absent or disrupted protein product. Loss-of-function variants in TUSC3 are known to be pathogenic (PMID: 18455129, 25626710). The frequency data for this variant in the population databases is considered unreliable, as metrics indicate poor data quality at this position in the gnomAD database. This variant has not been reported in the literature in individuals affected with TUSC3-related conditions. ClinVar contains an entry for this variant (Variation ID: 973756). For these reasons, this variant has been classified as Pathogenic.

Institute for Medical Genetics and Human Genetics, Charité - Universitätsmedizin Berlin
Classification: Pathogenic for Intellectual developmental disorder, autosomal recessive 7. Review status: criteria provided, single submitter. Criteria: ACMG Guidelines, 2015. Collection method: clinical testing. Allele origin: germline. Inheritance: Autosomal recessive inheritance. Affected: yes. Observed: 1 compound heterozygote.
Comment: The variant c.420dup leads from amino acid position 141 to a reading frame shift and 21 amino acids later to the formation of a premature stop codon and thus probably to a premature termination of protein biosynthesis. TUSC3 (OMIM #601385) codes for a protein involved in N-glycosylation and the magnesium transport system of the plasma membrane (PMID: 18452889, 19717468). Pathogenic homozygous nonsense variants in the TUSC3 gene have already been described in connection with the TUSC3-associated autosomal recessive mental retardation syndrome. Affected individuals show a non-syndromal global developmental delay and mild to severe mental retardation (MIM: 611093; PMID: 18452889, 27148795, 21739581). The two variants in the TUSC3 gene found in our patient are found at low frequency in control populations. However, since it is also a nonsense variant and nonsense variants (as well as the paternally inherited variant c.992C>A p.(Ser331*) found in our patient) are described in the literature as causing the disease (PMID: 18452889, 21739581), the variant c.420dup present here is also a pathogenic variant (class 5) according to current knowledge.

Literature cited by the submitters: PubMed 18455129 (cited by Labcorp Genetics (formerly Invitae), Labcorp); PubMed 25626710 (cited by Labcorp Genetics (formerly Invitae), Labcorp).

NM_006765.4(TUSC3):c.420dup (p.Gln141fs)

Gene: TUSC3 (tumor suppressor candidate 3; plus strand). Cytogenetic location: 8p22.
Variant type: Duplication.
Coding change: c.420dup on transcript NM_006765.4 (MANE Select); coding-DNA position 420, one base duplicated (T; older notation c.420dupT).
Protein change: p.Gln141fs; shifts the reading frame from glutamine 141.
Molecular consequence: frameshift variant.
Genome position (GRCh38, 1-based): chr8:15,650,808, T duplicated; the last of 5 consecutive T bases (chr8:15,650,804-15,650,808); duplicating any one gives the same sequence. VCF-style (leftmost placement, unchanged base first): chr8-15650803-G-GT. GRCh37 (hg19) VCF-style: chr8-15508312-G-GT.
Other names: c.420dup, p.Gln141fs (NM_001356429.2, NM_178234.2); short protein forms Q141fs.
Identifiers: ClinVar variation 973756 (VCV000973756.8), dbSNP rs773426468, ClinGen allele CA4640409.
Genomic context (GRCh38, chr8:15,650,803, plus strand): 5'-TCATCTGCTTTTTGTAACAAGCTCTTCTTCAGTATGGTGGACTATGATGAGGGGACAGAC[G>GT]TTTTTCAGCAGGTAAAGAGTTATATCGTATTCATATATTTAACATAGTTGTTTGTGGTCG-3'